The following is an entry in ClinVar:

NM_001283009.2(RTEL1):c.2345C>A (p.Pro782His)

Genes: RTEL1 (regulator of telomere elongation helicase 1; plus strand), RTEL1-TNFRSF6B (RTEL1-TNFRSF6B readthrough (NMD candidate); plus strand). Cytogenetic location: 20q13.33.
Variant type: single nucleotide variant.
Coding change: c.2345C>A on transcript NM_001283009.2 (MANE Select); coding-DNA position 2345, C replaced by A.
Protein change: p.Pro782His; replaces proline 782 with histidine.
Molecular consequence: missense variant. On other transcripts: non-coding transcript variant (1).
Genome position (GRCh38, 1-based): chr20:63,690,373, C>A. VCF-style: chr20-63690373-C-A. GRCh37 (hg19) VCF-style: chr20-62321726-C-A.
Other names: c.2345C>A, p.Pro782His (NM_016434.4); c.2417C>A, p.Pro806His (NM_032957.5); c.1676C>A, p.Pro559His (NM_001283010.1); short protein forms P806H, P559H, P782H.
Identifiers: ClinVar variation 4157569 (VCV004157569.1).

ClinVar aggregate classification (germline): Uncertain significance (1 of 4 stars; one submission).

Conditions:
Inborn genetic diseases. Identifiers: MedGen C0950123, MeSH D030342.

Submission:

Ambry Genetics
Classification: Uncertain significance for Inborn genetic diseases. Last evaluated: 2025-06-25. Review status: criteria provided, single submitter. Criteria: Ambry Variant Classification Scheme 2023. Collection method: clinical testing. Allele origin: germline.
Comment: The p.P782H variant (also known as c.2345C>A), located in coding exon 25 of the RTEL1 gene, results from a C to A substitution at nucleotide position 2345. The proline at codon 782 is replaced by histidine, an amino acid with similar properties. This amino acid position is conserved. In addition, this alteration is predicted to be tolerated by in silico analysis. Based on the available evidence, the clinical significance of this variant remains unclear.